The following is an entry in ClinVar:

NM_033343.4(LHX4):c.1017C>G (p.Gly339=)

Genes: ACBD6 (acyl-CoA binding domain containing 6; minus strand), LHX4 (LIM homeobox 4; plus strand), LHX4-AS1 (LHX4 antisense RNA 1; minus strand). Cytogenetic location: 1q25.2.
Variant type: single nucleotide variant.
Coding change: c.1017C>G on transcript NM_033343.4 (MANE Select); coding-DNA position 1017, C replaced by G.
Protein change: p.Gly339=; no amino-acid change (glycine 339 retained).
Molecular consequence: synonymous variant.
Genome position (GRCh38, 1-based): chr1:180,274,423, C>G. VCF-style: chr1-180274423-C-G. GRCh37 (hg19) VCF-style: chr1-180243558-C-G.
Identifiers: ClinVar variation 764591 (VCV000764591.10), dbSNP rs28737275, ClinGen allele CA1272068.
Genomic context (GRCh38, chr1:180,274,423, plus strand): 5'-CCTGCCATCCCACGCTCCTTTGCTCAATGGGCTGGATTACACGGTGGACAGTAATTTGGG[C>G]ATCATTGCGCATGCAGGGCAGGGAGTAAGCCAGACGCTGAGAGCCATGGCTGGGGGACCC-3'
Protein context (NP_203129.1, residues 329-349): GLDYTVDSNL[Gly339=]IIAHAGQGVS

ClinVar aggregate classification (germline): Likely benign. Review status: criteria provided, multiple submitters, no conflicts (2 of 4 stars). 2 submissions from 2 submitters: Likely benign (2). Last evaluated 2025-04-01.

Allele frequency attached by ClinVar (database versions not stated): gnomAD 0.00003; ExAC 0.00004; gnomAD exomes 0.00006 and 0.00008; TOPMed 0.00006; ESP Exome Variant Server 0.00008; 1000 Genomes Project 0.00020; 1000 Genomes Project 30x 0.00031.
gnomAD v4.1: 98 of 1,614,184 alleles (0.0061%); highest among the groups gnomAD compares: Middle Eastern, 0.033%; no homozygotes.

Submissions (2):

CeGaT Center for Human Genetics Tuebingen
Classification: Likely benign. Last evaluated: 2025-04-01. Review status: criteria provided, single submitter. Criteria: CeGaT Center For Human Genetics Tuebingen Variant Classification Criteria Version 2. Collection method: clinical testing. Allele origin: germline. Affected: yes. Observed: 1 variant allele.
Comment: LHX4: BP4, BP7

Labcorp Genetics (formerly Invitae), Labcorp
Classification: Likely benign. Last evaluated: 2018-08-15. Review status: criteria provided, single submitter. Criteria: Invitae Variant Classification Sherloc (09022015). Collection method: clinical testing. Allele origin: germline.